The following is an entry in ClinVar:

ClinVar aggregate classification (germline): Uncertain significance. Review status: criteria provided, multiple submitters, no conflicts (2 of 4 stars). 2 submissions from 2 submitters: Uncertain significance (2). Last evaluated 2021-08-30.

Conditions:
Developmental and epileptic encephalopathy. Identifiers: MedGen C5779964, MONDO:0100620.

Allele frequency attached by ClinVar (database versions not stated): TOPMed below 0.00001; ExAC 0.00001; gnomAD exomes 0.00001.
gnomAD v4.1: 17 of 1,614,050 alleles (0.0011%); highest among the groups gnomAD compares: South Asian, 0.0022%; no homozygotes.

Submissions (2):

Labcorp Genetics (formerly Invitae), Labcorp
Classification: Uncertain significance for Early-infantile DEE. Last evaluated: 2021-08-30. Review status: criteria provided, single submitter. Criteria: Invitae Variant Classification Sherloc (09022015). Collection method: clinical testing. Allele origin: germline.
Comment: This sequence change replaces isoleucine with valine at codon 242 of the ST3GAL3 protein (p.Ile242Val). The isoleucine residue is highly conserved and there is a small physicochemical difference between isoleucine and valine. This variant is present in population databases (rs753554208, ExAC 0.002%). This variant has not been reported in the literature in individuals affected with ST3GAL3-related conditions. ClinVar contains an entry for this variant (Variation ID: 445583). Algorithms developed to predict the effect of missense changes on protein structure and function (SIFT, PolyPhen-2, Align-GVGD) all suggest that this variant is likely to be tolerated. In summary, the available evidence is currently insufficient to determine the role of this variant in disease. Therefore, it has been classified as a Variant of Uncertain Significance.

Center for Pediatric Genomic Medicine, Children's Mercy Hospital and Clinics
Classification: Uncertain significance. Last evaluated: 2017-03-09. Review status: criteria provided, single submitter. Criteria: ACMG Guidelines, 2015. Collection method: clinical testing. Allele origin: germline.

NM_006279.5(ST3GAL3):c.724A>G (p.Ile242Val)

Gene: ST3GAL3 (ST3 beta-galactoside alpha-2,3-sialyltransferase 3; plus strand). Cytogenetic location: 1p34.1.
Variant type: single nucleotide variant.
Coding change: c.724A>G on transcript NM_006279.5 (MANE Select); coding-DNA position 724, A replaced by G.
Protein change: p.Ile242Val; replaces isoleucine 242 with valine.
Molecular consequence: missense variant. On other transcripts: non-coding transcript variant (5), intron variant (7).
Genome position (GRCh38, 1-based): chr1:43,899,707, A>G. VCF-style: chr1-43899707-A-G. GRCh37 (hg19) VCF-style: chr1-44365379-A-G.
Other names: c.724A>G, p.Ile242Val (NM_001270459.2, NM_001350620.2, NM_174966.4); c.631A>G, p.Ile211Val (NM_001270460.2); c.676A>G, p.Ile226Val (NM_001270461.3, NM_174969.4); c.583A>G, p.Ile195Val (NM_001270462.3); c.769A>G, p.Ile257Val (NM_001350619.2, NM_174964.4); c.445A>G, p.Ile149Val (NM_001350621.2); c.886A>G, p.Ile296Val (NM_001363573.2, NM_174968.5); c.931A>G, p.Ile311Val (NM_174963.5); and 8 more; short protein forms I311V, I226V, I242V, I257V, I280V, I296V, I211V, I149V.
Identifiers: ClinVar variation 445583 (VCV000445583.8), dbSNP rs753554208, ClinGen allele CA814782.